The following is an entry in ClinVar:

NM_004998.4(MYO1E):c.-9C>A

Gene: MYO1E (myosin IE; minus strand). Cytogenetic location: 15q22.2.
Variant type: single nucleotide variant.
Coding change: c.-9C>A on transcript NM_004998.4 (MANE Select); 9 bases upstream of the start codon, C replaced by A.
Molecular consequence: 5 prime UTR variant.
Genome position (GRCh38, 1-based): chr15:59,372,509, G>T on the plus strand (C>A on the coding strand, the complement: MYO1E is on the minus strand). VCF-style: chr15-59372509-G-T. GRCh37 (hg19) VCF-style: chr15-59664708-G-T.
Identifiers: ClinVar variation 4683987 (VCV004683987.1).
Genomic context (GRCh38, chr15:59,372,509, plus strand): 5'-TGCCCCGTCCCCGGGTCCGGCGTCCTAGGACGCGGCGCGGCCAACTCACCATGGTGACTC[G>T]CGCCGCGGTCGCGTCTTCGCCGGGTCCCGCTGCCGGGGAACTGGGGCTGGAACGCAGTCT-3'

ClinVar aggregate classification (germline): Benign (1 of 4 stars; one submission).

gnomAD v4.1: 1,006 of 1,536,394 alleles (0.065%); highest among the groups gnomAD compares: African/African-American, 1.2%; 8 homozygotes.

Submission:

Mayo Clinic Laboratories, Mayo Clinic
Classification: Benign. Last evaluated: 2024-04-19. Review status: criteria provided, single submitter. Criteria: ACMG Guidelines, 2015. Collection method: clinical testing. Allele origin: germline. Observed: 3 variant alleles.
Comment: BS1, BS2, BP4, BP7